The following is an entry in ClinVar:

ClinVar aggregate classification (germline): Uncertain significance (1 of 4 stars; one submission).

Conditions:
ROBO1-related disorder. Also called: ROBO1-related condition.

gnomAD v4.1: 18 of 1,611,288 alleles (0.0011%); highest among the groups gnomAD compares: African/African-American, 0.023%; no homozygotes.

Submission:

PreventionGenetics, part of Exact Sciences
Classification: Uncertain significance for ROBO1-related condition. Last evaluated: 2026-01-13. Review status: criteria provided, single submitter. Criteria: ACMG Guidelines, 2015. Collection method: clinical testing. Allele origin: germline.
Comment: The ROBO1 c.1450C>A variant is predicted to result in the amino acid substitution p.Pro484Thr. To our knowledge, this variant has not been reported in the literature. This variant is reported in 0.022% of alleles in individuals of African descent in gnomAD. At this time, the clinical significance of this variant is uncertain due to the absence of conclusive functional and genetic evidence.

NM_002941.4(ROBO1):c.1450C>A (p.Pro484Thr)

Gene: ROBO1 (roundabout guidance receptor 1; minus strand). Cytogenetic location: 3p12.3.
Variant type: single nucleotide variant.
Coding change: c.1450C>A on transcript NM_002941.4 (MANE Select); coding-DNA position 1450, C replaced by A.
Protein change: p.Pro484Thr; replaces proline 484 with threonine.
Molecular consequence: missense variant.
Genome position (GRCh38, 1-based): chr3:78,670,194, G>T on the plus strand (C>A on the coding strand, the complement: ROBO1 is on the minus strand). VCF-style: chr3-78670194-G-T. GRCh37 (hg19) VCF-style: chr3-78719344-G-T.
Other names: c.1342C>A, p.Pro448Thr (NM_001145845.2, NM_133631.4); short protein forms P448T, P484T.
Identifiers: ClinVar variation 4989394 (VCV004989394.1).
Genomic context (GRCh38, chr3:78,670,194, plus strand): 5'-GTTTGATTCGAGAGTCTTGGGTTGAAACGAGGACTCCATCCTTTCTCCACAGAATGGTGG[G>T]CACTGGACTGCCTGTGGCCACACAGCTGAGGACGAAAGTGCCATCCACGGCTACAGTCTG-3'
Protein context (NP_002932.1, residues 474-494): LSCVATGSPV[Pro484Thr]TILWRKDGVL